The following is an entry in ClinVar:

ClinVar aggregate classification (germline): Conflicting classifications of pathogenicity. Review status: criteria provided, conflicting classifications (1 of 4 stars). 4 submissions from 4 submitters: Likely pathogenic (1); Uncertain significance (3). Last evaluated 2026-04-30.

Conditions:
L1 syndrome. Identifiers: Orphanet 275543, MedGen C5779710, MONDO:0017140.
MASA syndrome. Also called: ADDUCTED THUMB WITH MENTAL RETARDATION; CLASPED THUMB AND MENTAL RETARDATION; GAREIS-MASON SYNDROME; MENTAL RETARDATION, APHASIA, SHUFFLING GAIT, AND ADDUCTED THUMBS; MASA Syndrome (Mental Retardation, Adducted Thumbs, Shuffling Gait, and Aphasia); SPASTIC PARAPLEGIA 1, X-LINKED. Identifiers: Orphanet 2466, MedGen C0795953, MONDO:0010559, OMIM 303350.

Allele frequency attached by ClinVar (database versions not stated): TOPMed below 0.00001.
gnomAD v4.1: 1 of 1,210,830 alleles (0.000083%); highest among the groups gnomAD compares: Non-Finnish European, 0.00011%; no homozygotes.

Submissions (4):

Myriad Genetics, Inc.
Classification: Uncertain significance for L1 syndrome. Last evaluated: 2026-04-30. Review status: criteria provided, single submitter. Criteria: Myriad Autosomal Dominant, Autosomal Recessive and X-Linked Classification Criteria (2023). Collection method: clinical testing. Allele origin: unknown.
Comment: NM_001278116.1(L1CAM):c.631G>A(A211T) is a missense variant classified as a variant of uncertain significance in the context of L1 syndrome. A211T has not been observed in cases with relevant disease. Relevant functional assessments of this variant are not available in the literature. A211T has not been observed in referenced population frequency databases. In summary, there is insufficient evidence to classify NM_001278116.1(L1CAM):c.631G>A(A211T) as pathogenic or benign. Please note: this variant was assessed in the context of healthy population screening.

3billion
Classification: Uncertain significance for MASA syndrome. Last evaluated: 2024-12-04. Review status: criteria provided, single submitter. Criteria: ACMG Guidelines, 2015. Collection method: clinical testing. Allele origin: germline. Affected: yes.
Comment: The variant is observed at an extremely low frequency in the gnomAD v4.1.0 dataset (total allele frequency: <0.001%). Predicted Consequence/Location: Missense variant In silico tool predictions suggest damaging effect of the variant on gene or gene product [REVEL: 0.80 (>=0.6, sensitivity 0.68 and specificity 0.92); 3Cnet: 0.94 (>=0.6, sensitivity 0.72 and precision 0.9)]. The same nucleotide change resulting in the same amino acid change has been previously reported to be associated with L1CAM-related disorder (ClinVar ID: VCV001195210). However, the evidence of pathogenicity is insufficient at this time. Therefore, this variant is classified as VUS according to the recommendation of ACMG/AMP guideline.

Women's Health and Genetics/Laboratory Corporation of America, LabCorp
Classification: Uncertain significance. Last evaluated: 2024-10-30. Review status: criteria provided, single submitter. Criteria: LabCorp Variant Classification Summary - May 2015. Collection method: clinical testing. Allele origin: germline.
Comment: Variant summary: L1CAM c.631G>A (p.Ala211Thr) results in a non-conservative amino acid change located in the Immunoglobulin domain subtype (IPR003599) of the encoded protein sequence. Five of five in-silico tools predict a damaging effect of the variant on protein function. The variant was absent in 183470 control chromosomes. The available data on variant occurrences in the general population are insufficient to allow any conclusion about variant significance. To our knowledge, no occurrence of c.631G>A in individuals affected with L1 Syndrome and no experimental evidence demonstrating its impact on protein function have been reported. ClinVar contains an entry for this variant (Variation ID: 1195210). Based on the evidence outlined above, the variant was classified as uncertain significance.

GeneDx
Classification: Likely pathogenic. Last evaluated: 2024-08-06. Review status: criteria provided, single submitter. Criteria: GeneDx Variant Classification Process June 2021. Collection method: clinical testing. Allele origin: germline. Affected: yes.
Comment: Has not been previously published as pathogenic or benign to our knowledge; In silico analysis supports that this missense variant has a deleterious effect on protein structure/function; Not observed at significant frequency in large population cohorts (gnomAD); This variant is associated with the following publications: (PMID: 25641508)

NM_001278116.2(L1CAM):c.631G>A (p.Ala211Thr)

Gene: L1CAM (L1 cell adhesion molecule; minus strand). Cytogenetic location: Xq28.
Variant type: single nucleotide variant.
Coding change: c.631G>A on transcript NM_001278116.2 (MANE Select); coding-DNA position 631, G replaced by A.
Protein change: p.Ala211Thr; replaces alanine 211 with threonine.
Molecular consequence: missense variant.
Genome position (GRCh38, 1-based): chrX:153,870,853, C>T on the plus strand (G>A on the coding strand, the complement: L1CAM is on the minus strand). VCF-style: chrX-153870853-C-T. GRCh37 (hg19) VCF-style: chrX-153136308-C-T.
Other names: c.631G>A, p.Ala211Thr (NM_024003.3, NM_000425.5); c.616G>A, p.Ala206Thr (NM_001143963.2); short protein forms A206T, A211T.
Identifiers: ClinVar variation 1195210 (VCV001195210.6), dbSNP rs202000092, ClinGen allele CA337263738.
Genomic context (GRCh38, chrX:153,870,853, plus strand): 5'-CCTTGACCCGGAGGTCAATGGGTTCCTTCTGAATGATGGTCCTGGTGCCTGGGAAGTGGG[C>T]GTGGCAGATGTAGTCTGAGTGGTTGTCGGAGGTGAGCACATTGGCAAAGTAGAGGTTGCC-3'
Protein context (NP_001265045.1, residues 201-221): SDNHSDYICH[Ala211Thr]HFPGTRTIIQ